The following is an entry in ClinVar:

NM_006949.4(STXBP2):c.927C>T (p.Thr309=)

Gene: STXBP2 (syntaxin binding protein 2; plus strand). Cytogenetic location: 19p13.2.
Variant type: single nucleotide variant.
Coding change: c.927C>T on transcript NM_006949.4 (MANE Select); coding-DNA position 927, C replaced by T.
Protein change: p.Thr309=; no amino-acid change (threonine 309 retained).
Molecular consequence: synonymous variant. On other transcripts: non-coding transcript variant (1).
Genome position (GRCh38, 1-based): chr19:7,642,790, C>T. VCF-style: chr19-7642790-C-T. GRCh37 (hg19) VCF-style: chr19-7707676-C-T.
Other names: c.927C>T (NM_006949.3); c.918C>T, p.Thr306= (NM_001127396.3); c.960C>T, p.Thr320= (NM_001272034.2); c.831C>T, p.Thr277= (NM_001414484.1).
Identifiers: ClinVar variation 2776009 (VCV002776009.5), dbSNP rs778800271, ClinGen allele CA9143876.

ClinVar aggregate classification (germline): Likely benign. Review status: criteria provided, single submitter (1 of 4 stars). 2 submissions from 2 submitters: Likely benign (1). 1 of the submissions does not count toward it. Last evaluated 2025-11-08.

Conditions:
STXBP2-related disorder. Also called: STXBP2-related condition.
Familial hemophagocytic lymphohistiocytosis 5. Also called: STXBP2-Related Familial Hemophagocytic Lymphohistiocytosis (STXBP2-fHLH). Identifiers: Orphanet 540, MedGen C2751293, MONDO:0013135, OMIM 613101.

Allele frequency attached by ClinVar (database versions not stated): gnomAD exomes 0.00002; ExAC 0.00004.
gnomAD v4.1: 22 of 1,614,090 alleles (0.0014%); highest among the groups gnomAD compares: South Asian, 0.024%; no homozygotes.

Submissions (2):

Labcorp Genetics (formerly Invitae), Labcorp
Classification: Likely benign for Familial hemophagocytic lymphohistiocytosis 5. Last evaluated: 2025-11-08. Review status: criteria provided, single submitter. Criteria: Invitae Variant Classification Sherloc (09022015). Collection method: clinical testing. Allele origin: germline.

PreventionGenetics, part of Exact Sciences
Classification: Likely benign for STXBP2-related condition. Last evaluated: 2019-04-09. Review status: no assertion criteria provided. Collection method: clinical testing. Allele origin: germline. Not counted in ClinVar's aggregate classification.
Comment: This variant is classified as likely benign based on ACMG/AMP sequence variant interpretation guidelines (Richards et al. 2015 PMID: 25741868, with internal and published modifications).